The following is an entry in ClinVar:

ClinVar aggregate classification (germline): Uncertain significance (1 of 4 stars; one submission).

Conditions:
Hereditary lymphedema type I (LMPHM1). Also called: LYMPHATIC MALFORMATION 1; Nonne-Milroy disease; Congenital hereditary lymphedema; Early onset lymphedema; Hereditary lymphedema 1; Primary congenital lymphedema. Identifiers: Orphanet 79452, MedGen C1704423, MONDO:0007919, OMIM 153100.

gnomAD v4.1: 15 of 1,612,606 alleles (0.00093%); highest among the groups gnomAD compares: Admixed American, 0.01%; no homozygotes.

Submission:

Clinical Genomics Laboratory, Washington University in St. Louis
Classification: Uncertain significance for Hereditary lymphedema type I. Last evaluated: 2024-07-02. Review status: criteria provided, single submitter. Criteria: ACMG Guidelines, 2015. Collection method: clinical testing. Allele origin: germline.
Comment: A FLT4 c.3092G>A (p.Arg1031Gln) variant was identified at a near heterozygous allelic fraction of 47.3%, a frequency which may be consistent with germline origin. This variant has been reported in a somatic state in individuals affected with lung cancer (Feng Y et al., PMID: 34645133; Peng W et al., PMID: 35273153; Liu Y, et al., PMID: 27767028). The FLT4 c.3092G>A (p.Arg1031Gln) variant is only observed on 15/1,612,606 alleles in the general population (gnomAD v.4.1.0), indicating it is not a common variant. Computational predictors are uncertain as to the impact of this variant on FLT4 function. Due to limited information, and based on ACMG/AMP guidelines for variant interpretation (Richards S et al., PMID: 25741868), the clinical significance of this variant is uncertain at this time.

NM_182925.5(FLT4):c.3092G>A (p.Arg1031Gln)

Gene: FLT4 (fms related receptor tyrosine kinase 4; minus strand). Cytogenetic location: 5q35.3.
Variant type: single nucleotide variant.
Coding change: c.3092G>A on transcript NM_182925.5 (MANE Select); coding-DNA position 3092, G replaced by A.
Protein change: p.Arg1031Gln; replaces arginine 1031 with glutamine.
Molecular consequence: missense variant.
Genome position (GRCh38, 1-based): chr5:180,616,904, C>T on the plus strand (G>A on the coding strand, the complement: FLT4 is on the minus strand). VCF-style: chr5-180616904-C-T. GRCh37 (hg19) VCF-style: chr5-180043904-C-T.
Other names: c.3092G>A, p.Arg1031Gln (NM_001354989.2, NM_002020.5); short protein forms R1031Q.
Identifiers: ClinVar variation 3600414 (VCV003600414.1).